The following is an entry in ClinVar:

ClinVar aggregate classification (germline): Pathogenic. Review status: criteria provided, single submitter (1 of 4 stars). 2 submissions from 2 submitters: Pathogenic (1). 1 of the submissions does not count toward it. Last evaluated 2023-02-23.

Conditions:
Periventricular nodular heterotopia 9. Identifiers: MedGen C5394503, MONDO:0030061, OMIM 618918.
Global developmental delay (DD). Also called: Cognitive delay. Identifiers: MedGen C0557874, HP:0001263. Disease mechanism: loss of function.
Abnormal facial shape. Also called: Dysmorphic facial features; Dysmorphic facies. Identifiers: MedGen C0424503, HP:0001999.
Pyloric stenosis. Also called: Pyloric stenosis (disease). Identifiers: MedGen C0034194, MONDO:0001561.
Metopic synostosis. Identifiers: MedGen C1860819, HP:0011330.
Attention deficit hyperactivity disorder (ADHD). Also called: Attention-Deficit/Hyperactivity Disorder. Identifiers: MedGen C1263846, MONDO:0007743, HP:0007018.
Hypotonia. Also called: poor muscle tone; Muscular hypotonia. Identifiers: MedGen C0026827, HP:0001252.

Submissions (2):

3billion
Classification: Pathogenic for Periventricular nodular heterotopia 9. Last evaluated: 2023-02-23. Review status: criteria provided, single submitter. Criteria: ACMG Guidelines, 2015. Collection method: clinical testing. Allele origin: unknown. Affected: yes.
Comment: The variant is not observed in the gnomAD v2.1.1 dataset. This variant was predicted to result in a loss or disruption of normal protein function through nonsense-mediated decay (NMD) or protein truncation. Multiple pathogenic variants are reported downstream of the variant. The variant has been reported to be associated with MAP1B related disorder (ClinVar ID: VCV000638688 / PMID: 30979967). Therefore, this variant is classified as Pathogenic according to the recommendation of ACMG/AMP guideline.

Gene Discovery Core-Manton Center, Boston Children's Hospital
Classification: Pathogenic for Metopic synostosis; Global developmental delay; Attention deficit hyperactivity disorder; Hypotonia; Abnormal facial shape; Congenital hypertrophic pyloric stenosis. Last evaluated: 2019-02-05. Review status: no assertion criteria provided. Collection method: clinical testing. Allele origin: germline. Affected: yes. Not counted in ClinVar's aggregate classification.

Literature cited by the submitters: PubMed 30979967 (cited by 3billion).

NM_005909.5(MAP1B):c.5368C>T (p.Arg1790Ter)

Gene: MAP1B (microtubule associated protein 1B; plus strand). Cytogenetic location: 5q13.2.
Variant type: single nucleotide variant.
Coding change: c.5368C>T on transcript NM_005909.5 (MANE Select); coding-DNA position 5368, C replaced by T.
Protein change: p.Arg1790Ter; replaces arginine 1790 with a stop codon.
Molecular consequence: nonsense.
Genome position (GRCh38, 1-based): chr5:72,198,723, C>T. VCF-style: chr5-72198723-C-T. GRCh37 (hg19) VCF-style: chr5-71494550-C-T.
Other names: c.4990C>T, p.Arg1664Ter (NM_001324255.2); short protein forms R1790*, R1664*.
Identifiers: ClinVar variation 638688 (VCV000638688.2), dbSNP rs1580027036, ClinGen allele CA360018611.